The following is an entry in ClinVar:

ClinVar aggregate classification (germline): Likely benign (1 of 4 stars; one submission).

Conditions:
PHIP-related disorder. Also called: PHIP-related condition; PHIP-related disorders.

gnomAD v4.1: 5 of 1,568,836 alleles (0.00032%); highest among the groups gnomAD compares: Non-Finnish European, 0.00043%; no homozygotes.

Submission:

PreventionGenetics, part of Exact Sciences
Classification: Likely benign for PHIP-related condition. Last evaluated: 2025-12-09. Review status: criteria provided, single submitter. Criteria: ACMG Guidelines, 2015. Collection method: clinical testing. Allele origin: germline.
Comment: This variant is classified as likely benign based on ACMG/AMP sequence variant interpretation guidelines (Richards et al. 2015 PMID: 25741868, with internal and published modifications).

NM_017934.7(PHIP):c.190-8C>T

Gene: PHIP (PHIP subunit of CUL4-Ring ligase complex; minus strand). Cytogenetic location: 6q14.1.
Variant type: single nucleotide variant.
Coding change: c.190-8C>T on transcript NM_017934.7 (MANE Select); 8 bases into the intron before coding-DNA position 190, C replaced by T.
Molecular consequence: intron variant.
Genome position (GRCh38, 1-based): chr6:79,060,826, G>A on the plus strand (C>T on the coding strand, the complement: PHIP is on the minus strand). VCF-style: chr6-79060826-G-A. GRCh37 (hg19) VCF-style: chr6-79770543-G-A.
Identifiers: ClinVar variation 4982301 (VCV004982301.1).
Genomic context (GRCh38, chr6:79,060,826, plus strand): 5'-CGATGACATATTTGCAGCAAGTGATCAGGTGCTAAGTGTCTGTAATACTTCACCTATTAT[G>A]TAAAAGACAAATATAGTAGGTTTCAGTTTATCATTTTAATTTTCAAAATCTTTGAGCAAC-3'